The following is an entry in ClinVar:

ClinVar aggregate classification (germline): Uncertain significance (1 of 4 stars; one submission).

Submission:

GeneDx
Classification: Uncertain significance. Last evaluated: 2024-12-23. Review status: criteria provided, single submitter. Criteria: GeneDx Variant Classification Process June 2021. Collection method: clinical testing. Allele origin: germline. Affected: yes.
Comment: Not observed at significant frequency in large population cohorts (gnomAD); In-frame duplication of 1 amino acid(s) in a non-repeat region; Has not been previously published as pathogenic or benign to our knowledge

NM_006885.4(ZFHX3):c.10972GAC[3] (p.Asp3659_Tyr3660insAsp)

Genes: ZFHX3 (zinc finger homeobox 3; minus strand), ZFHX3-AS1 (ZFHX3 antisense RNA 1; plus strand). Cytogenetic location: 16q22.2.
Variant type: Microsatellite.
Coding change: c.10972GAC[3] on transcript NM_006885.4 (MANE Select); three copies in a row of the 3-base unit GAC starting at c.10972; the reference has two copies in a row; one copy, 3 bases duplicated.
Protein change: p.Asp3659_Tyr3660insAsp.
Molecular consequence: non-coding transcript variant (on NR_171705.1).
Genome position (GRCh38, 1-based): chr16:72,787,299-72,787,301, GTC duplicated on the plus strand (GAC on the coding strand, the reverse complement: ZFHX3 is on the minus strand); duplicating any 3 consecutive bases within chr16:72,787,299-72,787,304 gives the same sequence; the position shown is the placement nearest the transcript's 3' end. VCF-style (leftmost placement, unchanged base first): chr16-72787298-A-AGTC. GRCh37 (hg19) VCF-style: chr16-72821197-A-AGTC.
Other names: c.8230GAC[3], p.Asp2745_Tyr2746insAsp (NM_001164766.2); c.10972GAC[3], p.Asp3659_Tyr3660insAsp (NM_001386735.1).
Identifiers: ClinVar variation 3907842 (VCV003907842.1).